The following is an entry in ClinVar:

ClinVar aggregate classification (germline): Uncertain significance. Review status: criteria provided, multiple submitters, no conflicts (2 of 4 stars). 2 submissions from 2 submitters: Uncertain significance (2). Last evaluated 2025-07-30.

Conditions:
DNMT3A-related disorder. Also called: DNMT3A-related condition; DNMT3A-related disorders.
Tatton-Brown-Rahman overgrowth syndrome. Also called: Tall stature-intellectual disability-facial dysmorphism syndrome; Tatton-Brown-Rahman syndrome. Identifiers: Orphanet 404443, MedGen C4014545, MONDO:0014382, OMIM 615879.

Allele frequency attached by ClinVar (database versions not stated): gnomAD 0.00003; TOPMed 0.00003.
gnomAD v4.1: 29 of 1,544,312 alleles (0.0019%); highest among the groups gnomAD compares: South Asian, 0.006%; no homozygotes.

Submissions (2):

Labcorp Genetics (formerly Invitae), Labcorp
Classification: Uncertain significance for Tatton-Brown-Rahman overgrowth syndrome. Last evaluated: 2025-07-30. Review status: criteria provided, single submitter. Criteria: Invitae Variant Classification Sherloc (09022015). Collection method: clinical testing. Allele origin: germline.
Comment: This sequence change replaces alanine, which is neutral and non-polar, with threonine, which is neutral and polar, at codon 3 of the DNMT3A protein (p.Ala3Thr). The frequency data for this variant in the population databases is considered unreliable, as metrics indicate poor data quality at this position in the gnomAD database. This variant has not been reported in the literature in individuals affected with DNMT3A-related conditions. ClinVar contains an entry for this variant (Variation ID: 2198848). Invitae Evidence Modeling of protein sequence and biophysical properties (such as structural, functional, and spatial information, amino acid conservation, physicochemical variation, residue mobility, and thermodynamic stability) indicates that this missense variant is not expected to disrupt DNMT3A protein function with a negative predictive value of 95%. In summary, the available evidence is currently insufficient to determine the role of this variant in disease. Therefore, it has been classified as a Variant of Uncertain Significance.

PreventionGenetics, part of Exact Sciences
Classification: Uncertain significance for DNMT3A-related condition. Last evaluated: 2024-12-16. Review status: criteria provided, single submitter. Criteria: ACMG Guidelines, 2015. Collection method: clinical testing. Allele origin: germline.
Comment: The DNMT3A c.7G>A variant is predicted to result in the amino acid substitution p.Ala3Thr. To our knowledge, this variant has not been reported in the literature. This variant is reported in 0.018% of alleles in individuals of South Asian descent in gnomAD. At this time, the clinical significance of this variant is uncertain due to the absence of conclusive functional and genetic evidence.

NM_022552.5(DNMT3A):c.7G>A (p.Ala3Thr)

Gene: DNMT3A (DNA methyltransferase 3 alpha; minus strand). Cytogenetic location: 2p23.3.
Variant type: single nucleotide variant.
Coding change: c.7G>A on transcript NM_022552.5 (MANE Select); coding-DNA position 7, G replaced by A.
Protein change: p.Ala3Thr; replaces alanine 3 with threonine.
Molecular consequence: missense variant. On other transcripts: non-coding transcript variant (1).
Genome position (GRCh38, 1-based): chr2:25,313,978, C>T on the plus strand (G>A on the coding strand, the complement: DNMT3A is on the minus strand). VCF-style: chr2-25313978-C-T. GRCh37 (hg19) VCF-style: chr2-25536847-C-T.
Other names: c.7G>A, p.Ala3Thr (NM_001320892.2, NM_175629.2, NM_175630.1); short protein forms A3T.
Identifiers: ClinVar variation 2198848 (VCV002198848.7), dbSNP rs745380962, ClinGen allele CA1556578.